The following is an entry in ClinVar:

NM_006506.5(RASA2):c.1420T>C (p.Cys474Arg)

Gene: RASA2 (RAS p21 protein activator 2; plus strand). Cytogenetic location: 3q23.
Variant type: single nucleotide variant.
Coding change: c.1420T>C on transcript NM_006506.5 (MANE Select); coding-DNA position 1420, T replaced by C.
Protein change: p.Cys474Arg; replaces cysteine 474 with arginine.
Molecular consequence: missense variant.
Genome position (GRCh38, 1-based): chr3:141,574,004, T>C. VCF-style: chr3-141574004-T-C. GRCh37 (hg19) VCF-style: chr3-141292846-T-C.
Other names: c.1420T>C, p.Cys474Arg (NM_001303245.3, NM_001303246.3); short protein forms C474R.
Identifiers: ClinVar variation 3942999 (VCV003942999.1).
Genomic context (GRCh38, chr3:141,574,004, plus strand): 5'-GAGAATCTGCGCTACTATGTAGACAAGTTATTCAATACAATTGTAAAATCAAGTATGAGC[T>C]GCCCCACTGTAATGTGTGATATCTTTTATTCTCTAAGGCAGATGGCTACTCAGAGATTTC-3'
Protein context (NP_006497.2, residues 464-484): FNTIVKSSMS[Cys474Arg]PTVMCDIFYS

ClinVar aggregate classification (germline): Uncertain significance (1 of 4 stars; one submission).

gnomAD v4.1: 1 of 1,589,590 alleles (0.000063%); highest among the groups gnomAD compares: Non-Finnish European, 0.000086%; no homozygotes.

Submission:

Ambry Genetics
Classification: Uncertain significance. Last evaluated: 2025-04-02. Review status: criteria provided, single submitter. Criteria: Ambry Variant Classification Scheme 2023. Collection method: clinical testing. Allele origin: germline.
Comment: The p.C474R variant (also known as c.1420T>C), located in coding exon 14 of the RASA2 gene, results from a T to C substitution at nucleotide position 1420. The cysteine at codon 474 is replaced by arginine, an amino acid with highly dissimilar properties. This amino acid position is conserved. In addition, this alteration is predicted to be deleterious by in silico analysis. Based on the available evidence, the clinical significance of this variant remains unclear.